The following is an entry in ClinVar:

NM_016156.6(MTMR2):c.994-21A>G

Gene: MTMR2 (myotubularin related protein 2; minus strand). Cytogenetic location: 11q21.
Variant type: single nucleotide variant.
Coding change: c.994-21A>G on transcript NM_016156.6 (MANE Select); 21 bases into the intron before coding-DNA position 994, A replaced by G.
Molecular consequence: intron variant.
Genome position (GRCh38, 1-based): chr11:95,847,920, T>C on the plus strand (A>G on the coding strand, the complement: MTMR2 is on the minus strand). VCF-style: chr11-95847920-T-C. GRCh37 (hg19) VCF-style: chr11-95581084-T-C.
Other names: c.778-21A>G (NM_201281.3, NM_201278.3, NM_001243571.2).
Identifiers: ClinVar variation 675842 (VCV000675842.2), dbSNP rs199703270, ClinGen allele CA6240142.

ClinVar aggregate classification (germline): Likely benign. Review status: criteria provided, multiple submitters, no conflicts (2 of 4 stars). 2 submissions from 2 submitters: Likely benign (2). Last evaluated 2018-06-14.

Allele frequency attached by ClinVar (database versions not stated): 1000 Genomes Project 30x 0.00047; 1000 Genomes Project 0.00060; TOPMed 0.00658; gnomAD 0.00751 and 0.00779; gnomAD exomes 0.00778; ExAC 0.00854; ESP Exome Variant Server 0.00908.
gnomAD v4.1: 18,085 of 1,586,574 alleles (1.1%); highest among the groups gnomAD compares: Non-Finnish European, 1.4%; 111 homozygotes.

Submissions (2):

GeneDx
Classification: Likely benign. Last evaluated: 2018-06-14. Review status: criteria provided, single submitter. Criteria: GeneDx Variant Classification (06012015). Collection method: clinical testing. Allele origin: germline. Affected: yes.
Comment: This variant is considered likely benign or benign based on one or more of the following criteria: it is a conservative change, it occurs at a poorly conserved position in the protein, it is predicted to be benign by multiple in silico algorithms, and/or has population frequency not consistent with disease.

Breakthrough Genomics
Classification: Likely benign. Review status: criteria provided, single submitter. Criteria: ACMG Guidelines, 2015. Collection method: not provided. Allele origin: germline. Inheritance: Autosomal recessive inheritance. Affected: yes.